The following is an entry in ClinVar:

NM_024422.6(DSC2):c.1192G>A (p.Gly398Ser)

Gene: DSC2 (desmocollin 2; minus strand). Cytogenetic location: 18q12.1.
Variant type: single nucleotide variant.
Coding change: c.1192G>A on transcript NM_024422.6 (MANE Select); coding-DNA position 1192, G replaced by A.
Protein change: p.Gly398Ser; replaces glycine 398 with serine.
Molecular consequence: missense variant.
Genome position (GRCh38, 1-based): chr18:31,082,309, C>T on the plus strand (G>A on the coding strand, the complement: DSC2 is on the minus strand). VCF-style: chr18-31082309-C-T. GRCh37 (hg19) VCF-style: chr18-28662275-C-T.
Other names: c.1192G>A, p.Gly398Ser (NM_004949.5); short protein forms G398S.
Identifiers: ClinVar variation 410652 (VCV000410652.10), dbSNP rs1060502991, ClinGen allele CA16616018.

ClinVar aggregate classification (germline): Uncertain significance. Review status: criteria provided, multiple submitters, no conflicts (2 of 4 stars). 2 submissions from 2 submitters: Uncertain significance (2). Last evaluated 2023-07-24.

Conditions:
Arrhythmogenic right ventricular dysplasia 11. Also called: Arrhythmogenic Right Ventricular Dysplasia/Cardiomyopathy11; ARRHYTHMOGENIC RIGHT VENTRICULAR DYSPLASIA, FAMILIAL, 11; Arrhythmogenic right ventricular dysplasia 11 with mild palmoplantar keratoderma and woolly hair. Identifiers: MedGen C1864850, MONDO:0012506, OMIM 610476.
Cardiovascular phenotype. Identifiers: MedGen CN230736.

Allele frequency attached by ClinVar (database versions not stated): gnomAD exomes 0.00001.
gnomAD v4.1: 7 of 1,613,692 alleles (0.00043%); highest among the groups gnomAD compares: Non-Finnish European, 0.00059%; no homozygotes.

Submissions (2):

Ambry Genetics
Classification: Uncertain significance for Cardiovascular phenotype. Last evaluated: 2023-07-24. Review status: criteria provided, single submitter. Criteria: Ambry Variant Classification Scheme 2023. Collection method: clinical testing. Allele origin: germline.
Comment: The p.G398S variant (also known as c.1192G>A), located in coding exon 9 of the DSC2 gene, results from a G to A substitution at nucleotide position 1192. The glycine at codon 398 is replaced by serine, an amino acid with similar properties. This amino acid position is conserved. In addition, the in silico prediction for this alteration is inconclusive. Since supporting evidence is limited at this time, the clinical significance of this alteration remains unclear.

Labcorp Genetics (formerly Invitae), Labcorp
Classification: Uncertain significance for Arrhythmogenic right ventricular dysplasia 11. Last evaluated: 2018-05-07. Review status: criteria provided, single submitter. Criteria: Invitae Variant Classification Sherloc (09022015). Collection method: clinical testing. Allele origin: germline.
Comment: This variant is not present in population databases (ExAC no frequency). This sequence change replaces glycine with serine at codon 398 of the DSC2 protein (p.Gly398Ser). The glycine residue is highly conserved and there is a small physicochemical difference between glycine and serine. This variant has not been reported in the literature in individuals with DSC2-related disease. ClinVar contains an entry for this variant (Variation ID: 410652). Algorithms developed to predict the effect of missense changes on protein structure and function (SIFT, PolyPhen-2, Align-GVGD) all suggest that this variant is likely to be disruptive, but these predictions have not been confirmed by published functional studies and their clinical significance is uncertain. In summary, the available evidence is currently insufficient to determine the role of this variant in disease. Therefore, it has been classified as a Variant of Uncertain Significance.